The following is an entry in ClinVar:

NM_007294.4(BRCA1):c.3351dup (p.Gln1118fs)

Genes: BRCA1 (BRCA1 DNA repair associated; minus strand), LOC126862571 (BRD4-independent group 4 enhancer GRCh37_chr17:41243136-41244335; plus strand). Cytogenetic location: 17q21.31.
Variant type: Duplication.
Coding change: c.3351dup on transcript NM_007294.4 (MANE Select); coding-DNA position 3351, one base duplicated (T; older notation c.3351dupT).
Protein change: p.Gln1118fs; shifts the reading frame from glutamine 1118.
Molecular consequence: frameshift variant. On other transcripts: intron variant (137).
Genome position (GRCh38, 1-based): chr17:43,092,180, A duplicated on the plus strand (T on the coding strand, the reverse complement: BRCA1 is on the minus strand); the first of 2 consecutive A bases (chr17:43,092,180-43,092,181); duplicating either gives the same sequence. VCF-style (leftmost placement, unchanged base first): chr17-43092179-G-GA. GRCh37 (hg19) VCF-style: chr17-41244196-G-GA.
Other names: 3470insT; c.3351dupT (NM_007294.3); c.3351dup, p.Gln1118fs (NM_001407581.1, NM_001407582.1, NM_001407583.1 and 30 more transcripts); c.3348dup, p.Gln1117fs (NM_001407587.1, NM_001407590.1, NM_001407591.1 and 22 more transcripts); c.3342dup, p.Gln1115fs (NM_001407646.1, NM_001407647.1); c.3270dup, p.Gln1091fs (NM_001407660.1, NM_001407661.1, NM_001407662.1 and 1 more transcripts); c.3273dup, p.Gln1092fs (NM_001407663.1, NM_001407653.1, NM_001407654.1 and 4 more transcripts); c.3228dup, p.Gln1077fs (NM_001407664.1, NM_001407665.1, NM_001407666.1 and 19 more transcripts); and 43 more; short protein forms Q1071fs, Q1118fs, Q1048fs, Q1076fs, Q1091fs, Q990fs, Q1030fs, Q1006fs.
Identifiers: ClinVar variation 125630 (VCV000125630.24), dbSNP rs80357785, ClinGen allele CA002171.

ClinVar aggregate classification (germline): Pathogenic. Review status: reviewed by expert panel (3 of 4 stars). 9 submissions from 9 submitters: Pathogenic (1). 8 of the submissions do not count toward it. Last evaluated 2016-09-08.

Conditions:
Familial cancer of breast. Also called: Hereditary breast cancer; hereditary breast carcinoma; BREAST CANCER, FAMILIAL. Identifiers: Orphanet 227535, MedGen C0346153, MONDO:0016419, OMIM 114480. Disease mechanism: loss of function.
Breast-ovarian cancer, familial, susceptibility to, 1 (BROVCA1). Also called: BRCA1 Hereditary Breast and Ovarian Cancer; OVARIAN CANCER, SUSCEPTIBILITY TO. Identifiers: Orphanet 145, MedGen C2676676, MONDO:0011450, OMIM 604370. Disease mechanism: loss of function.
Fanconi anemia, complementation group S (FANCS). Identifiers: MedGen C4554406, MONDO:0054748, OMIM 617883.
Hereditary cancer-predisposing syndrome. Also called: Tumor predisposition; Hereditary neoplastic syndrome; Hereditary Cancer Syndrome; Neoplastic Syndromes, Hereditary. Identifiers: Orphanet 140162, MedGen C0027672, MeSH D009386, MONDO:0015356.
Hereditary breast ovarian cancer syndrome. Also called: Hereditary breast and/or ovarian cancer syndrome; Breast and ovarian cancer; Hereditary breast and ovarian cancer syndrome; Hereditary breast and ovarian cancer; Hereditary breast and ovarian cancer syndrome (HBOC); BRCA1- and BRCA2-Associated Hereditary Breast and Ovarian Cancer. Identifiers: Orphanet 145, MedGen C0677776, MeSH D061325, MONDO:0003582. Disease mechanism: loss of function.

Submissions (9):

Evidence-based Network for the Interpretation of Germline Mutant Alleles (ENIGMA)
Classification: Pathogenic for Breast-ovarian cancer, familial, susceptibility to, 1. Last evaluated: 2016-09-08. Review status: reviewed by expert panel. Criteria: ENIGMA BRCA1/2 Classification Criteria (2015). Collection method: curation. Allele origin: germline.
Comment: Variant allele predicted to encode a truncated non-functional protein.

Quest Diagnostics Nichols Institute San Juan Capistrano
Classification: Pathogenic. Last evaluated: 2025-02-26. Review status: criteria provided, single submitter. Criteria: Quest Diagnostics criteria. Collection method: clinical testing. Allele origin: unknown. Not counted in ClinVar's aggregate classification.
Comment: The BRCA1 c.3351dup (p.Gln1118Serfs*4) variant alters the translational reading frame of the BRCA1 mRNA and causes the premature termination of BRCA1 protein synthesis. This variant has been reported in the published literature in individuals with a personal and/or family history of breast cancer (PMID: 36292577 (2022), 32885271 (2021), 27062684 (2016), 23096105 (2012)), prostate cancer (PMID: 36292577 (2022)), and neuroblastoma (PMID: 36493725 (2023)). This variant has not been reported in large, multi-ethnic general populations (Genome Aggregation Database). Based on the available information, this variant is classified as pathogenic.

Ambry Genetics
Classification: Pathogenic for Hereditary cancer-predisposing syndrome. Last evaluated: 2024-11-25. Review status: criteria provided, single submitter. Criteria: Ambry Variant Classification Scheme 2023. Collection method: clinical testing. Allele origin: germline. Not counted in ClinVar's aggregate classification.
Comment: The c.3351dupT pathogenic mutation, located in coding exon 9 of the BRCA1 gene, results from a duplication of T at nucleotide position 3351, causing a translational frameshift with a predicted alternate stop codon. In addition to the clinical data presented in the literature, this alteration is expected to result in loss of function by premature protein truncation or nonsense-mediated mRNA decay. As such, this alteration is interpreted as a disease-causing mutation.

Labcorp Genetics (formerly Invitae), Labcorp
Classification: Pathogenic for Hereditary breast ovarian cancer syndrome. Last evaluated: 2023-12-03. Review status: criteria provided, single submitter. Criteria: Invitae Variant Classification Sherloc (09022015). Collection method: clinical testing. Allele origin: germline. Not counted in ClinVar's aggregate classification.
Comment: This sequence change creates a premature translational stop signal (p.Gln1118Serfs*4) in the BRCA1 gene. It is expected to result in an absent or disrupted protein product. Loss-of-function variants in BRCA1 are known to be pathogenic (PMID: 20104584). This variant is not present in population databases (gnomAD no frequency). This premature translational stop signal has been observed in individual(s) with breast and/or ovarian cancer (PMID: 23096105, 27062684, 29446198). This variant is also known as 3470insT. ClinVar contains an entry for this variant (Variation ID: 125630). For these reasons, this variant has been classified as Pathogenic.

Department of Pathology and Laboratory Medicine, Sinai Health System
Classification: Pathogenic for Familial cancer of breast; Breast-ovarian cancer, familial, susceptibility to, 1; Fanconi anemia, complementation group S. Last evaluated: 2019-01-09. Review status: criteria provided, single submitter. Criteria: ACMG Guidelines, 2015. Collection method: clinical testing. Allele origin: germline. Affected: yes. Not counted in ClinVar's aggregate classification.

Women's Health and Genetics/Laboratory Corporation of America, LabCorp
Classification: Pathogenic for Hereditary breast ovarian cancer syndrome. Last evaluated: 2016-05-11. Review status: criteria provided, single submitter. Criteria: LabCorp Variant Classification Summary - May 2015. Collection method: clinical testing. Allele origin: germline. Not counted in ClinVar's aggregate classification.
Comment: Variant summary: The BRCA1 c.3351dupT (p.Gln1118Serfs) variant results in a premature termination codon, predicted to cause a truncated or absent BRCA1 protein due to nonsense mediated decay, which are commonly known mechanisms for disease. Truncations downstream of this position have been classified as pathogenic by our laboratory (e.g. c.3358_3359delGT (p.Val1120fs), c.3365_3366delCA (p.Thr1122fs) and 3400G>T (p.Glu1134X)). This variant is absent in 121140 control chromosomes. In addition, a reputable database classified this variant as Pathogenic. Taken together, this variant is classified as Pathogenic.

Consortium of Investigators of Modifiers of BRCA1/2 (CIMBA), c/o University of Cambridge
Classification: Pathogenic for Breast-ovarian cancer, familial, susceptibility to, 1. Last evaluated: 2015-10-02. Review status: criteria provided, single submitter. Criteria: CIMBA Mutation Classification guidelines May 2016. Collection method: clinical testing. Allele origin: germline. Not counted in ClinVar's aggregate classification.

Counsyl
Classification: Likely pathogenic for Breast-ovarian cancer, familial, susceptibility to, 1. Last evaluated: 2016-05-24. Review status: no assertion criteria provided. Collection method: clinical testing. Allele origin: unknown. Not counted in ClinVar's aggregate classification.

Breast Cancer Information Core (BIC) (BRCA1)
Classification: Pathogenic for Breast-ovarian cancer, familial 1. Last evaluated: 2004-02-20. Review status: no assertion criteria provided. Collection method: clinical testing. Allele origin: germline. Affected: yes. Observed: 2 variant alleles. Not counted in ClinVar's aggregate classification.

Literature cited by the submitters: PubMed 27062684 (cited by Quest Diagnostics Nichols Institute San Juan Capistrano and Labcorp Genetics (formerly Invitae), Labcorp); PubMed 29446198 (cited by Quest Diagnostics Nichols Institute San Juan Capistrano and Labcorp Genetics (formerly Invitae), Labcorp); PubMed 36493725 (cited by Quest Diagnostics Nichols Institute San Juan Capistrano); PubMed 36292577 (cited by Quest Diagnostics Nichols Institute San Juan Capistrano); PubMed 32885271 (cited by Quest Diagnostics Nichols Institute San Juan Capistrano); PubMed 23096105 (cited by 5 submitters); PubMed 26295337 (cited by Quest Diagnostics Nichols Institute San Juan Capistrano); PubMed 20104584 (cited by Labcorp Genetics (formerly Invitae), Labcorp).